The following is an entry in ClinVar:

NM_024577.4(SH3TC2):c.1804del (p.Leu602fs)

Gene: SH3TC2 (SH3 domain and tetratricopeptide repeats 2; minus strand). Cytogenetic location: 5q32.
Variant type: Deletion.
Coding change: c.1804del on transcript NM_024577.4 (MANE Select); coding-DNA position 1804, one base deleted (C; older notation c.1804delC).
Protein change: p.Leu602fs; shifts the reading frame from leucine 602.
Molecular consequence: frameshift variant.
Genome position (GRCh38, 1-based): chr5:149,027,928, G deleted on the plus strand (C on the coding strand, the reverse complement: SH3TC2 is on the minus strand); the first of 2 consecutive G bases (chr5:149,027,928-149,027,929); deleting either gives the same sequence. VCF-style (leftmost placement, unchanged base first): chr5-149027927-AG-A. GRCh37 (hg19) VCF-style: chr5-148407490-AG-A.
Other names: short protein forms L602fs.
Identifiers: ClinVar variation 843466 (VCV000843466.7), dbSNP rs1319576439, ClinGen allele CA563955047.

ClinVar aggregate classification (germline): Pathogenic (1 of 4 stars; one submission).

Conditions:
Charcot-Marie-Tooth disease type 4. Also called: Charcot-Marie-Tooth, Type 4; Charcot-Marie-Tooth disease, type IV. Identifiers: Orphanet 64749, MedGen C4082197, MONDO:0018995.

Submission:

Labcorp Genetics (formerly Invitae), Labcorp
Classification: Pathogenic for Charcot-Marie-Tooth disease type 4. Last evaluated: 2023-05-04. Review status: criteria provided, single submitter. Criteria: Invitae Variant Classification Sherloc (09022015). Collection method: clinical testing. Allele origin: germline.
Comment: ClinVar contains an entry for this variant (Variation ID: 843466). For these reasons, this variant has been classified as Pathogenic. This variant has not been reported in the literature in individuals affected with SH3TC2-related conditions. This sequence change creates a premature translational stop signal (p.Leu602Cysfs*43) in the SH3TC2 gene. It is expected to result in an absent or disrupted protein product. Loss-of-function variants in SH3TC2 are known to be pathogenic (PMID: 20220177, 27068304). This variant is present in population databases (no rsID available, gnomAD 0.0009%).

Literature cited by the submitters: PubMed 20220177; PubMed 27068304.